The following is an entry in ClinVar:

NM_004568.6(SERPINB6):c.901G>A (p.Asp301Asn)

Gene: SERPINB6 (serpin family B member 6; minus strand). Cytogenetic location: 6p25.2.
Variant type: single nucleotide variant.
Coding change: c.901G>A on transcript NM_004568.6 (MANE Select); coding-DNA position 901, G replaced by A.
Protein change: p.Asp301Asn; replaces aspartic acid 301 with asparagine.
Molecular consequence: missense variant. On other transcripts: non-coding transcript variant (1).
Genome position (GRCh38, 1-based): chr6:2,948,528, C>T on the plus strand (G>A on the coding strand, the complement: SERPINB6 is on the minus strand). VCF-style: chr6-2948528-C-T. GRCh37 (hg19) VCF-style: chr6-2948762-C-T.
Other names: c.913G>A, p.Asp305Asn (NM_001195291.3, NM_001374515.1); c.943G>A, p.Asp315Asn (NM_001271822.2); c.958G>A, p.Asp320Asn (NM_001271823.2); c.901G>A, p.Asp301Asn (NM_001271824.2, NM_001271825.2, NM_001297699.2 and 2 more transcripts); c.769G>A, p.Asp257Asn (NM_001374517.1); short protein forms D257N, D301N, D305N, D315N, D320N.
Identifiers: ClinVar variation 1333063 (VCV001333063.8), dbSNP rs201754754, ClinGen allele CA3617389.

ClinVar aggregate classification (germline): Uncertain significance. Review status: criteria provided, multiple submitters, no conflicts (2 of 4 stars). 4 submissions from 4 submitters: Uncertain significance (4). Last evaluated 2024-10-17.

Allele frequency attached by ClinVar (database versions not stated): gnomAD 0.00011 and 0.00014; 1000 Genomes Project 30x 0.00016; TOPMed 0.00019; 1000 Genomes Project 0.00020; ESP Exome Variant Server 0.00023; ExAC 0.00026; gnomAD exomes 0.00026.
gnomAD v4.1: 404 of 1,614,210 alleles (0.025%); highest among the groups gnomAD compares: Middle Eastern, 0.13%; 1 homozygote.

Submissions (4):

Blueprint Genetics
Classification: Uncertain significance. Last evaluated: 2024-10-17. Review status: criteria provided, single submitter. Criteria: ACMG Guidelines, 2015. Collection method: clinical testing. Allele origin: germline.

GeneDx
Classification: Uncertain significance. Last evaluated: 2024-04-25. Review status: criteria provided, single submitter. Criteria: GeneDx Variant Classification Process June 2021. Collection method: clinical testing. Allele origin: germline. Affected: yes.
Comment: In silico analysis supports that this missense variant has a deleterious effect on protein structure/function; Has not been previously published as pathogenic or benign to our knowledge

Labcorp Genetics (formerly Invitae), Labcorp
Classification: Uncertain significance. Last evaluated: 2022-05-12. Review status: criteria provided, single submitter. Criteria: Invitae Variant Classification Sherloc (09022015). Collection method: clinical testing. Allele origin: germline.
Comment: This sequence change replaces aspartic acid, which is acidic and polar, with asparagine, which is neutral and polar, at codon 301 of the SERPINB6 protein (p.Asp301Asn). This variant is present in population databases (rs201754754, gnomAD 0.07%). This variant has not been reported in the literature in individuals affected with SERPINB6-related conditions. ClinVar contains an entry for this variant (Variation ID: 1333063). Algorithms developed to predict the effect of missense changes on protein structure and function output the following: SIFT: "Tolerated"; PolyPhen-2: "Possibly Damaging"; Align-GVGD: "Class C0". The asparagine amino acid residue is found in multiple mammalian species, which suggests that this missense change does not adversely affect protein function. In summary, the available evidence is currently insufficient to determine the role of this variant in disease. Therefore, it has been classified as a Variant of Uncertain Significance.

Ambry Genetics
Classification: Uncertain significance. Last evaluated: 2021-09-17. Review status: criteria provided, single submitter. Criteria: Ambry Variant Classification Scheme 2023. Collection method: clinical testing. Allele origin: germline.